The following is an entry in ClinVar:

ClinVar aggregate classification (germline): Benign/Likely benign. Review status: criteria provided, multiple submitters, no conflicts (2 of 4 stars). 6 submissions from 6 submitters: Benign (3); Likely benign (1). 2 of the submissions do not count toward it. Last evaluated 2024-11-28.

Allele frequency attached by ClinVar (database versions not stated): TOPMed 0.18196; gnomAD exomes 0.19557 and 0.21170; ExAC 0.21110; ESP Exome Variant Server 0.17246; gnomAD 0.17674 and 0.18253; 1000 Genomes Project 0.20927; 1000 Genomes Project 30x 0.20394.

Submissions (6):

Blueprint Genetics
Classification: Likely benign. Last evaluated: 2024-11-28. Review status: criteria provided, single submitter. Criteria: ACMG Guidelines, 2015. Collection method: clinical testing. Allele origin: germline.

GeneDx
Classification: Benign. Last evaluated: 2017-07-14. Review status: criteria provided, single submitter. Criteria: GeneDx Variant Classification Process June 2021. Collection method: clinical testing. Allele origin: germline. Affected: yes.

Laboratory for Molecular Medicine, Mass General Brigham Personalized Medicine
Classification: Benign. Last evaluated: 2016-03-28. Review status: criteria provided, single submitter. Criteria: LMM Criteria. Collection method: clinical testing. Allele origin: germline.
Comment: Variant identified in a genome or exome case(s) and assessed due to predicted null impact of the variant or pathogenic assertions in the literature or databases. Disclaimer: This variant has not undergone full assessment. The following are preliminary notes: MAF

Breakthrough Genomics
Classification: Benign. Review status: criteria provided, single submitter. Criteria: ACMG Guidelines, 2015. Collection method: not provided. Allele origin: germline. Inheritance: Autosomal dominant inheritance. Affected: yes.

Clinical Genetics, Academic Medical Center
Classification: Benign. Review status: no assertion criteria provided. Collection method: clinical testing. Allele origin: germline. Affected: yes. Study: VKGL Data-share Consensus. Not counted in ClinVar's aggregate classification.

Joint Genome Diagnostic Labs from Nijmegen and Maastricht, Radboudumc and MUMC+
Classification: Benign. Review status: no assertion criteria provided. Collection method: clinical testing. Allele origin: germline. Affected: yes. Study: VKGL Data-share Consensus. Not counted in ClinVar's aggregate classification.

NC_000022.11:g.19779259C>T

Gene: TBX1 (T-box transcription factor 1; plus strand). Cytogenetic location: 22q11.21.
Variant type: single nucleotide variant.
Molecular consequence: missense variant (on NM_080646.2). On other transcripts: intron variant (1).
Genome position: GRCh38 VCF-style: chr22-19779259-C-T. GRCh37 (hg19) VCF-style: chr22-19766782-C-T.
Other names: c.1049C>T, p.Thr350Met (NM_080646.2); c.1010-3654C>T (NM_005992.1); short protein forms T350M.
Identifiers: ClinVar variation 403525 (VCV000403525.13), dbSNP rs4819522, ClinGen allele CA10102819.